The following is an entry in ClinVar:

NM_003883.4(HDAC3):c.295G>A (p.Gly99Arg)

Gene: HDAC3 (histone deacetylase 3; minus strand). Cytogenetic location: 5q31.3.
Variant type: single nucleotide variant.
Coding change: c.295G>A on transcript NM_003883.4 (MANE Select); coding-DNA position 295, G replaced by A.
Protein change: p.Gly99Arg; replaces glycine 99 with arginine.
Molecular consequence: missense variant. On other transcripts: 5 prime UTR variant (2), non-coding transcript variant (6).
Genome position (GRCh38, 1-based): chr5:141,630,112, C>T on the plus strand (G>A on the coding strand, the complement: HDAC3 is on the minus strand). VCF-style: chr5-141630112-C-T. GRCh37 (hg19) VCF-style: chr5-141009679-C-T.
Other names: c.295G>A, p.Gly99Arg (NM_001355039.2); c.-109G>A (NM_001355040.2); c.-267G>A (NM_001355041.2); short protein forms G99R.
Identifiers: ClinVar variation 3778775 (VCV003778775.1).

ClinVar aggregate classification (germline): Uncertain significance (1 of 4 stars; one submission).

Conditions:
HDAC3-related disorder.

Submission:

Daryl Scott Lab, Baylor College of Medicine
Classification: Uncertain significance for HDAC3-related disorder. Last evaluated: 2024-04-01. Review status: criteria provided, single submitter. Criteria: ACMG Guidelines, 2015. Collection method: clinical testing. Allele origin: de novo. Observed: 1 heterozygote.
Comment: PS2, PP3